The following is an entry in ClinVar:

NM_030665.4(RAI1):c.1914G>A (p.Lys638=)

Gene: RAI1 (retinoic acid induced 1; plus strand). Cytogenetic location: 17p11.2.
Variant type: single nucleotide variant.
Coding change: c.1914G>A on transcript NM_030665.4 (MANE Select); coding-DNA position 1914, G replaced by A.
Protein change: p.Lys638=; no amino-acid change (lysine 638 retained).
Molecular consequence: synonymous variant.
Genome position (GRCh38, 1-based): chr17:17,794,862, G>A. VCF-style: chr17-17794862-G-A. GRCh37 (hg19) VCF-style: chr17-17698176-G-A.
Other names: c.1914G>A (NM_030665.3).
Identifiers: ClinVar variation 2709898 (VCV002709898.4), dbSNP rs752952229, ClinGen allele CA8418424.

ClinVar aggregate classification (germline): Likely benign. Review status: criteria provided, single submitter (1 of 4 stars). 2 submissions from 2 submitters: Likely benign (1). 1 of the submissions does not count toward it. Last evaluated 2023-12-20.

Conditions:
RAI1-related disorder. Also called: RAI1-related condition.

Allele frequency attached by ClinVar (database versions not stated): gnomAD exomes below 0.00001; ExAC 0.00001.
gnomAD v4.1: 2 of 1,613,326 alleles (0.00012%); highest among the groups gnomAD compares: Admixed American, 0.0017%; no homozygotes.

Submissions (2):

Labcorp Genetics (formerly Invitae), Labcorp
Classification: Likely benign. Last evaluated: 2023-12-20. Review status: criteria provided, single submitter. Criteria: Invitae Variant Classification Sherloc (09022015). Collection method: clinical testing. Allele origin: germline.

PreventionGenetics, part of Exact Sciences
Classification: Likely benign for RAI1-related condition. Last evaluated: 2024-07-16. Review status: no assertion criteria provided. Collection method: clinical testing. Allele origin: germline. Not counted in ClinVar's aggregate classification.
Comment: This variant is classified as likely benign based on ACMG/AMP sequence variant interpretation guidelines (Richards et al. 2015 PMID: 25741868, with internal and published modifications).